The following is an entry in ClinVar:

ClinVar aggregate classification (germline): Pathogenic (1 of 4 stars; one submission).

Conditions:
Deficiency of acetyl-CoA acetyltransferase. Also called: Beta-ketothiolase deficiency; MITOCHONDRIAL ACETOACETYL-CoA THIOLASE DEFICIENCY; 3-KETOTHIOLASE DEFICIENCY; 3-OXOTHIOLASE DEFICIENCY. Identifiers: Orphanet 134, MedGen C1536500, MONDO:0008760, OMIM 203750. Disease mechanism: loss of function.

Submission:

Labcorp Genetics (formerly Invitae), Labcorp
Classification: Pathogenic for Deficiency of acetyl-CoA acetyltransferase. Last evaluated: 2022-04-19. Review status: criteria provided, single submitter. Criteria: Invitae Variant Classification Sherloc (09022015). Collection method: clinical testing. Allele origin: germline.
Comment: This variant is a gross deletion of the genomic region encompassing exon(s) 11 of the ACAT1 gene. While this deletion is not anticipated to lead to nonsense mediated decay, it is expected to disrupt the C-terminus of the protein. This variant has not been reported in the literature in individuals affected with ACAT1-related conditions. This variant disrupts a region of the ACAT1 protein in which other variant(s) (p.Ile387Thr) have been determined to be pathogenic (PMID: 28726122). This suggests that this is a clinically significant region of the protein, and that variants that disrupt it are likely to be disease-causing. For these reasons, this variant has been classified as Pathogenic.

Literature cited by the submitters: PubMed 28726122.

NC_000011.9:g.(?_108016909)_(108017106_?)del

Gene: ACAT1 (acetyl-CoA acetyltransferase 1; plus strand). Cytogenetic location: 11q22.3.
Variant type: Deletion.
Identifiers: ClinVar variation 2422141 (VCV002422141.3).